The following is an entry in ClinVar:

ClinVar aggregate classification (germline): Likely benign (1 of 4 stars; one submission).

Allele frequency attached by ClinVar (database versions not stated): gnomAD exomes below 0.00001.
gnomAD v4.1: 2 of 1,613,796 alleles (0.00012%); highest among the groups gnomAD compares: Non-Finnish European, 0.00017%; no homozygotes.

Submission:

CeGaT Center for Human Genetics Tuebingen
Classification: Likely benign. Last evaluated: 2023-04-01. Review status: criteria provided, single submitter. Criteria: CeGaT Center For Human Genetics Tuebingen Variant Classification Criteria Version 2. Collection method: clinical testing. Allele origin: germline. Affected: yes. Observed: 1 variant allele.
Comment: ANK3: PM2:Supporting, BP4, BP7

NM_020987.5(ANK3):c.5331A>C (p.Pro1777=)

Gene: ANK3 (ankyrin 3; minus strand). Cytogenetic location: 10q21.2.
Variant type: single nucleotide variant.
Coding change: c.5331A>C on transcript NM_020987.5 (MANE Select); coding-DNA position 5331, A replaced by C.
Protein change: p.Pro1777=; no amino-acid change (proline 1777 retained).
Molecular consequence: synonymous variant. On other transcripts: intron variant (4).
Genome position (GRCh38, 1-based): chr10:60,075,550, T>G on the plus strand (A>C on the coding strand, the complement: ANK3 is on the minus strand). VCF-style: chr10-60075550-T-G. GRCh37 (hg19) VCF-style: chr10-61835308-T-G.
Other names: c.4387+4987A>C (NM_001204403.2); c.4408+4987A>C (NM_001204404.2); c.4405+4987A>C (NM_001320874.2); c.1807+4987A>C (NM_001149.4).
Identifiers: ClinVar variation 2640493 (VCV002640493.24), dbSNP rs2492572845, ClinGen allele CA469993856.